The following is an entry in ClinVar:

NM_000142.5(FGFR3):c.738G>A (p.Leu246=)

Gene: FGFR3 (fibroblast growth factor receptor 3; plus strand). Cytogenetic location: 4p16.3.
Variant type: single nucleotide variant.
Coding change: c.738G>A on transcript NM_000142.5 (MANE Select); coding-DNA position 738, G replaced by A.
Protein change: p.Leu246=; no amino-acid change (leucine 246 retained).
Molecular consequence: synonymous variant. On other transcripts: non-coding transcript variant (1).
Genome position (GRCh38, 1-based): chr4:1,801,742, G>A. VCF-style: chr4-1801742-G-A. GRCh37 (hg19) VCF-style: chr4-1803469-G-A.
Other names: c.738G>A, p.Leu246= (NM_001163213.2, NM_001354809.2, NM_001354810.2 and 1 more transcripts).
Identifiers: ClinVar variation 1913427 (VCV001913427.5), dbSNP rs1255837977, ClinGen allele CA438063317.

ClinVar aggregate classification (germline): Uncertain significance (1 of 4 stars; one submission).

Submission:

Labcorp Genetics (formerly Invitae), Labcorp
Classification: Uncertain significance. Last evaluated: 2022-05-05. Review status: criteria provided, single submitter. Criteria: Invitae Variant Classification Sherloc (09022015). Collection method: clinical testing. Allele origin: germline.
Comment: Algorithms developed to predict the effect of sequence changes on RNA splicing suggest that this variant is not likely to affect RNA splicing. In summary, the available evidence is currently insufficient to determine the role of this variant in disease. Therefore, it has been classified as a Variant of Uncertain Significance. This variant is not present in population databases (gnomAD no frequency). This variant has not been reported in the literature in individuals affected with FGFR3-related conditions. This sequence change affects codon 246 of the FGFR3 mRNA. It is a 'silent' change, meaning that it does not change the encoded amino acid sequence of the FGFR3 protein. It affects a nucleotide within the consensus splice site.